The following is an entry in ClinVar:

ClinVar aggregate classification (germline): Conflicting classifications of pathogenicity. Review status: criteria provided, conflicting classifications (1 of 4 stars). 5 submissions from 5 submitters: Pathogenic (1); Likely pathogenic (2); Uncertain significance (2). Last evaluated 2025-12-15.

Conditions:
Polycystic kidney disease, adult type (PKD1). Also called: Polycystic Kidney Disease 1, Autosomal Dominant; Polycystic kidney disease 1; Polycystic kidney disease 1, severe; Polycystic Kidney, Autosomal Dominant; POLYCYSTIC KIDNEY DISEASE 1 WITH OR WITHOUT POLYCYSTIC LIVER DISEASE; POLYCYSTIC KIDNEY DISEASE, ADULT, TYPE I. Identifiers: MedGen C3149841, MONDO:0008263, OMIM 173900.
PKD1-related disorder. Also called: PKD1-related condition.

gnomAD v4.1: 1 of 1,531,810 alleles (0.000065%); no homozygotes.

Submissions (5):

GeneDx
Classification: Uncertain significance. Last evaluated: 2025-12-15. Review status: criteria provided, single submitter. Criteria: GeneDx Variant Classification Process June 2021. Collection method: clinical testing. Allele origin: germline.
Comment: Not observed at significant frequency in large population cohorts (gnomAD); In silico analysis supports that this missense variant does not alter protein structure/function; Splice predictors suggests this variant may impact gene splicing. In the absence of RNA/functional studies, the actual effect of this sequence change is unknown.; This variant is associated with the following publications: (PMID: 27499327, 15772804)

PreventionGenetics, part of Exact Sciences
Classification: Pathogenic for PKD1-related condition. Last evaluated: 2025-05-29. Review status: criteria provided, single submitter. Criteria: ACMG Guidelines, 2015. Collection method: clinical testing. Allele origin: germline.
Comment: The PKD1 c.11860G>C variant is predicted to result in the amino acid substitution p.Ala3954Pro. This variant has been reported in individuals with autosomal dominant polycystic kidney disease (ADPKD) (Peltola et al. 2005. PubMed ID: 15772804; Suppl. Table S6, Carrera et al. 2016. PubMed ID: 27499327). In Peltola et al. study, reported as A3954P (A3953P in tables), this variant was reported to co-segregate with ADPKD in two families sharing the same haplotype. This variant has not been reported in a large population database (gnomAD), indicating this variant is rare. At PreventionGenetics, we have also found this variant in the heterozygous state in presumably unrelated patients tested for polycystic kidney disease (Internal Data). This variant is interpreted as pathogenic.

Blueprint Genetics
Classification: Likely pathogenic for PKD1-related disorders. Last evaluated: 2024-10-01. Review status: criteria provided, single submitter. Criteria: ACMG Guidelines, 2015. Collection method: clinical testing. Allele origin: germline. Affected: yes. Observed: 1 variant allele.

Department of Pathology and Laboratory Medicine, Sinai Health System
Classification: Uncertain significance for Polycystic kidney disease, adult type. Last evaluated: 2024-04-03. Review status: criteria provided, single submitter. Criteria: ACMG Guidelines, 2015. Collection method: clinical testing. Allele origin: germline. Affected: yes.

Fulgent Genetics
Classification: Likely pathogenic for Polycystic kidney disease, adult type. Last evaluated: 2024-02-24. Review status: criteria provided, single submitter. Criteria: ACMG Guidelines, 2015. Collection method: clinical testing. Allele origin: germline.

Literature cited by the submitters: PubMed 15772804 (cited by Department of Pathology and Laboratory Medicine, Sinai Health System).

NM_001009944.3(PKD1):c.11860G>C (p.Ala3954Pro)

Gene: PKD1 (polycystin 1, transient receptor potential channel interacting; minus strand). Cytogenetic location: 16p13.3.
Variant type: single nucleotide variant.
Coding change: c.11860G>C on transcript NM_001009944.3 (MANE Select); coding-DNA position 11860, G replaced by C.
Protein change: p.Ala3954Pro; replaces alanine 3954 with proline.
Molecular consequence: missense variant.
Genome position (GRCh38, 1-based): chr16:2,091,027, C>G on the plus strand (G>C on the coding strand, the complement: PKD1 is on the minus strand). VCF-style: chr16-2091027-C-G. GRCh37 (hg19) VCF-style: chr16-2141028-C-G.
Other names: c.11857G>C, p.Ala3953Pro (NM_000296.4); short protein forms A3953P, A3954P.
Identifiers: ClinVar variation 2580069 (VCV002580069.7), dbSNP rs1424496188, ClinGen allele CA394329563.
Genomic context (GRCh38, chr16:2,091,027, plus strand): 5'-AGCGGCGCGGGCGGCCGCGCACGAAACGGGTCCACTGGCGGTCAGCGGCACCCAGCTGGG[C>G]GAGGCGTACCAGTGCCGTGGCCGCCGTCAGCGCCACCAGCAGCCACCGCGCCCAGGCTCC-3'
Protein context (NP_001009944.3, residues 3944-3964): LTAATALVRL[Ala3954Pro]QLGAADRQWT